The following is an entry in ClinVar:

ClinVar aggregate classification (germline): Uncertain significance (1 of 4 stars; one submission).

Conditions:
Hereditary cancer-predisposing syndrome. Also called: Hereditary Cancer Syndrome; Hereditary neoplastic syndrome; Neoplastic Syndromes, Hereditary; Tumor predisposition. Identifiers: Orphanet 140162, MedGen C0027672, MeSH D009386, MONDO:0015356.

Submission:

Ambry Genetics
Classification: Uncertain significance for Hereditary cancer-predisposing syndrome. Last evaluated: 2021-12-11. Review status: criteria provided, single submitter. Criteria: Ambry Variant Classification Scheme 2023. Collection method: clinical testing. Allele origin: germline.
Comment: The p.Q1984H variant (also known as c.5952G>T), located in coding exon 43 of the POLE gene, results from a G to T substitution at nucleotide position 5952. The glutamine at codon 1984 is replaced by histidine, an amino acid with highly similar properties. This amino acid position is conserved. In addition, this alteration is predicted to be tolerated by in silico analysis. Since supporting evidence is limited at this time, the clinical significance of this alteration remains unclear.

NM_006231.4(POLE):c.5952G>T (p.Gln1984His)

Gene: POLE (DNA polymerase epsilon, catalytic subunit; minus strand). Cytogenetic location: 12q24.33.
Variant type: single nucleotide variant.
Coding change: c.5952G>T on transcript NM_006231.4 (MANE Select); coding-DNA position 5952, G replaced by T.
Protein change: p.Gln1984His; replaces glutamine 1984 with histidine.
Molecular consequence: missense variant.
Genome position (GRCh38, 1-based): chr12:132,634,238, C>A on the plus strand (G>T on the coding strand, the complement: POLE is on the minus strand). VCF-style: chr12-132634238-C-A. GRCh37 (hg19) VCF-style: chr12-133210824-C-A.
Other names: short protein forms Q1984H.
Identifiers: ClinVar variation 1750695 (VCV001750695.2), dbSNP rs1467376291, ClinGen allele CA387371516.